The following is an entry in ClinVar:

NM_000053.4(ATP7B):c.1708-25_1719del

Gene: ATP7B (ATPase copper transporting beta; minus strand). Cytogenetic location: 13q14.3.
Variant type: Deletion.
Coding change: c.1708-25_1719del on transcript NM_000053.4 (MANE Select); 25 bases into the intron before coding-DNA position 1708 through coding-DNA position 1719, 37 bases deleted.
Molecular consequence: splice acceptor variant.
Genome position (GRCh38, 1-based): chr13:51,965,022-51,965,058, 37 bases deleted; deleting any 37 consecutive bases within chr13:51,965,022-51,965,060 gives the same sequence; the c. name uses the placement nearest the transcript's 3' end. GRCh37 (hg19): chr13:52,539,160-52,539,196.
Other names: c.1708-25_1719delGGATTCTTGCCATCCTGTGTTGCAGATCACAGGGATG (NM_000053.3); c.1375-25_1386del (NM_001243182.2); c.1708-25_1719del (NM_001005918.3, NM_001330579.2, NM_001330578.2).
Identifiers: ClinVar variation 573285 (VCV000573285.8), dbSNP rs1566560096, ClinGen allele CA891844418.

ClinVar aggregate classification (germline): Pathogenic (1 of 4 stars; one submission).

Conditions:
Wilson disease (WND). Also called: Wilson's disease. Identifiers: Orphanet 905, MedGen C0019202, MONDO:0010200, OMIM 277900. Disease mechanism: loss of function.

Submission:

Labcorp Genetics (formerly Invitae), Labcorp
Classification: Pathogenic for Wilson disease. Last evaluated: 2018-02-04. Review status: criteria provided, single submitter. Criteria: Invitae Variant Classification Sherloc (09022015). Collection method: clinical testing. Allele origin: germline.
Comment: For these reasons, this variant has been classified as Pathogenic. This variant is a gross deletion of the genomic region encompassing part of exon 5 of the ATP7B gene, including the intron 4-exon 5 boundary (c.1708-25_1719del). This likely creates a premature translational stop signal and is expected to disrupt RNA splicing and likely results in an absent or disrupted protein product. This variant is not present in population databases (ExAC no frequency). This variant has not been reported in the literature in individuals with ATP7B-related disease. Loss-of-function variants in ATP7B are known to be pathogenic (PMID: 10441329, 16283883).

Literature cited by the submitters: PubMed 10441329; PubMed 16283883.